The following is an entry in ClinVar:

ClinVar aggregate classification (germline): Benign. Review status: criteria provided, single submitter (1 of 4 stars). 2 submissions from 1 submitter: Benign (2). Last evaluated 2018-01-12.

Conditions:
Parietal foramina 1 (PFM1). Also called: FORAMINA PARIETALIA PERMAGNA; PARIETAL FORAMINA, SYMMETRIC. Identifiers: Orphanet 60015, MedGen C1868599, MONDO:0008197, OMIM 168500.
Craniosynostosis 2 (CRS2). Also called: Warman-Mulliken-Hayward syndrome; Craniosynostosis Warman type; Craniosynostosis Boston type. Identifiers: Orphanet 1541, MedGen C1858160, MONDO:0011481, OMIM 604757.

Allele frequency attached by ClinVar (database versions not stated): 1000 Genomes Project 30x 0.00047; 1000 Genomes Project 0.00060; gnomAD 0.00093 and 0.00101; TOPMed 0.00099.

Submissions (2):

Illumina Laboratory Services, Illumina
Classification: Benign for Parietal foramina 1. Last evaluated: 2018-01-12. Review status: criteria provided, single submitter. Criteria: ICSL Variant Classification Criteria 13 December 2019. Collection method: clinical testing. Allele origin: germline.
Comment: This variant was observed in the ICSL laboratory as part of a predisposition screen in an ostensibly healthy population. It had not been previously curated by ICSL or reported in the Human Gene Mutation Database (HGMD: prior to June 1st, 2018), and was therefore a candidate for classification through an automated scoring system. Utilizing variant allele frequency, disease prevalence and penetrance estimates, and inheritance mode, an automated score was calculated to assess if this variant is too frequent to cause the disease. Based on the score and internal cut-off values, a variant classified as benign is not then subjected to further curation. The score for this variant resulted in a classification of benign for this disease.

Illumina Laboratory Services, Illumina
Classification: Benign for Craniosynostosis 2. Last evaluated: 2018-01-12. Review status: criteria provided, single submitter. Criteria: ICSL Variant Classification Criteria 13 December 2019. Collection method: clinical testing. Allele origin: germline.
Comment: the same text as in the submission from Illumina Laboratory Services, Illumina above.

NM_002449.5(MSX2):c.*635G>A

Gene: MSX2 (msh homeobox 2; plus strand). Cytogenetic location: 5q35.2.
Variant type: single nucleotide variant.
Coding change: c.*635G>A on transcript NM_002449.5 (MANE Select); 635 bases downstream of the stop codon, G replaced by A.
Molecular consequence: 3 prime UTR variant.
Genome position (GRCh38, 1-based): chr5:174,730,218, G>A. VCF-style: chr5-174730218-G-A. GRCh37 (hg19) VCF-style: chr5-174157221-G-A.
Other names: c.*1063G>A (NM_001363626.2).
Identifiers: ClinVar variation 904959 (VCV000904959.4), dbSNP rs192627117, ClinGen allele CA132701525.